The following is an entry in ClinVar:

ClinVar aggregate classification (germline): Uncertain significance (1 of 4 stars; one submission).

Conditions:
Epidermolysis bullosa simplex 5B, with muscular dystrophy (EBS5B). Also called: EPIDERMOLYSIS BULLOSA SIMPLEX AND LIMB-GIRDLE MUSCULAR DYSTROPHY; Epidermolysis bullosa simplex with muscular dystrophy. Identifiers: Orphanet 257, MedGen C2931072, MONDO:0009181, OMIM 226670.
Epidermolysis bullosa simplex 5C, with pyloric atresia (EBS5C). Also called: Epidermolysis bullosa simplex with pyloric atresia; PLEC-Related Epidermolysis Bullosa with Pyloric Atresia; PLEC1-Related Epidermolysis Bullosa with Pyloric Atresia. Identifiers: Orphanet 158684, MedGen C2677349, MONDO:0012807, OMIM 612138.
Autosomal recessive limb-girdle muscular dystrophy type 2Q (LGMDR17). Also called: MUSCULAR DYSTROPHY, LIMB-GIRDLE, AUTOSOMAL RECESSIVE 17. Identifiers: Orphanet 254361, MedGen C3150989, MONDO:0013390, OMIM 613723.
Epidermolysis bullosa simplex with nail dystrophy (EBS5D). Identifiers: MedGen C4225309, MONDO:0014661, OMIM 616487.
Epidermolysis bullosa simplex, Ogna type (EBS5A). Also called: Pidermolysis bullosa simplex 5A, Ogna type; EPIDERMOLYSIS BULLOSA SIMPLEX 5A, OGNA TYPE. Identifiers: Orphanet 79401, MedGen C0432317, MONDO:0007555, OMIM 131950.

Allele frequency attached by ClinVar (database versions not stated): gnomAD exomes 0.00001.
gnomAD v4.1: 7 of 1,611,104 alleles (0.00043%); highest among the groups gnomAD compares: East Asian, 0.0022%; no homozygotes.

Submission:

Labcorp Genetics (formerly Invitae), Labcorp
Classification: Uncertain significance for Autosomal recessive limb-girdle muscular dystrophy type 2Q; Epidermolysis bullosa simplex, Ogna type; Epidermolysis bullosa simplex with nail dystrophy; Epidermolysis bullosa simplex 5C, with pyloric atresia; Epidermolysis bullosa simplex 5B, with muscular dystrophy. Last evaluated: 2025-12-07. Review status: criteria provided, single submitter. Criteria: Invitae Variant Classification Sherloc (09022015). Collection method: clinical testing. Allele origin: germline.
Comment: This sequence change replaces alanine, which is neutral and non-polar, with valine, which is neutral and non-polar, at codon 3111 of the PLEC protein (p.Ala3111Val). This variant is present in population databases (no rsID available, gnomAD 0.002%). This variant has not been reported in the literature in individuals affected with PLEC-related conditions. ClinVar contains an entry for this variant (Variation ID: 1433362). An algorithm developed to predict the effect of missense changes on protein structure and function (PolyPhen-2) suggests that this variant is likely to be disruptive. In summary, the available evidence is currently insufficient to determine the role of this variant in disease. Therefore, it has been classified as a Variant of Uncertain Significance.

NM_201384.3(PLEC):c.9251C>T (p.Ala3084Val)

Gene: PLEC (plectin; minus strand). Cytogenetic location: 8q24.3.
Variant type: single nucleotide variant.
Coding change: c.9251C>T on transcript NM_201384.3 (MANE Select); coding-DNA position 9251, C replaced by T.
Protein change: p.Ala3084Val; replaces alanine 3084 with valine.
Molecular consequence: missense variant.
Genome position (GRCh38, 1-based): chr8:143,920,570, G>A on the plus strand (C>T on the coding strand, the complement: PLEC is on the minus strand). VCF-style: chr8-143920570-G-A. GRCh37 (hg19) VCF-style: chr8-144994738-G-A.
Other names: c.9332C>T, p.Ala3111Val (NM_000445.5); c.9209C>T, p.Ala3070Val (NM_201378.4); c.9185C>T, p.Ala3062Val (NM_201379.3); c.9662C>T, p.Ala3221Val (NM_201380.4); c.9155C>T, p.Ala3052Val (NM_201381.3); c.9251C>T, p.Ala3084Val (NM_201382.4); c.9263C>T, p.Ala3088Val (NM_201383.3); short protein forms A3062V, A3221V, A3088V, A3111V, A3052V, A3070V, A3084V.
Identifiers: ClinVar variation 1433362 (VCV001433362.6), dbSNP rs1554682228, ClinGen allele CA372511249.